The following is an entry in ClinVar:

ClinVar aggregate classification (germline): Uncertain significance. Review status: criteria provided, multiple submitters, no conflicts (2 of 4 stars). 6 submissions from 6 submitters: Uncertain significance (5). 1 of the submissions does not count toward it. Last evaluated 2025-11-05.

Conditions:
PCARE-related disorder. Also called: PCARE-related condition.
Retinitis pigmentosa (RP). Identifiers: Orphanet 791, MedGen C0035334, MeSH D012174, MONDO:0019200, OMIM 268000. Inheritance: Autosomal dominant, autosomal recessive and X linked inheritance.

Allele frequency attached by ClinVar (database versions not stated): gnomAD 0.00002; gnomAD exomes 0.00003 and 0.00009; TOPMed 0.00041.
gnomAD v4.1: 36 of 1,381,694 alleles (0.0026%); highest among the groups gnomAD compares: East Asian, 0.082%; no homozygotes.

Submissions (8):

PreventionGenetics, part of Exact Sciences
Classification: Uncertain significance for PCARE-related condition. Last evaluated: 2025-11-05. Review status: criteria provided, single submitter. Criteria: ACMG Guidelines, 2015. Collection method: clinical testing. Allele origin: germline.
Comment: The PCARE c.3669-5G>A variant is predicted to interfere with splicing. This variant is predicted to alter splicing based on available splicing prediction programs (SpliceAI, Jaganathan et al. 2019. PubMed ID: 30661751). However, the use of computer prediction programs is not equivalent to functional evidence. This variant has been reported along with a second PCARE variant in an individual with retinitis pigmentosa (Table S4, Jespersgaard et al. 2019. PubMed ID: 30718709). This variant is reported in 0.11% of alleles in individuals of East Asian descent in gnomAD. At this time, the clinical significance of this variant is uncertain due to the absence of conclusive functional and genetic evidence.

Blueprint Genetics
Classification: Uncertain significance. Last evaluated: 2023-11-13. Review status: criteria provided, single submitter. Criteria: ACMG Guidelines, 2015. Collection method: clinical testing. Allele origin: germline.

Labcorp Genetics (formerly Invitae), Labcorp
Classification: Uncertain significance. Last evaluated: 2022-10-13. Review status: criteria provided, single submitter. Criteria: Invitae Variant Classification Sherloc (09022015). Collection method: clinical testing. Allele origin: germline.
Comment: This sequence change falls in intron 1 of the PCARE gene. It does not directly change the encoded amino acid sequence of the PCARE protein. This variant is present in population databases (no rsID available, gnomAD 0.1%). This variant has been observed in individual(s) with retinitis pigmentosa (PMID: 30718709). ClinVar contains an entry for this variant (Variation ID: 335638). Algorithms developed to predict the effect of sequence changes on RNA splicing suggest that this variant may disrupt the consensus splice site. In summary, the available evidence is currently insufficient to determine the role of this variant in disease. Therefore, it has been classified as a Variant of Uncertain Significance.

Illumina Laboratory Services, Illumina
Classification: Uncertain significance for Retinitis pigmentosa. Last evaluated: 2018-01-13. Review status: criteria provided, single submitter. Criteria: ICSL Variant Classification Criteria 13 December 2019. Collection method: clinical testing. Allele origin: germline.

Breakthrough Genomics
Classification: Uncertain significance. Review status: criteria provided, single submitter. Criteria: ACMG Guidelines, 2015. Collection method: not provided. Allele origin: germline. Inheritance: Unknown mechanism. Affected: yes.

Department of Clinical Genetics, Copenhagen University Hospital, Rigshospitalet
Classification: Uncertain significance for Retinitis pigmentosa. Last evaluated: 2018-04-01. Review status: no assertion criteria provided. Collection method: research. Allele origin: unknown. Affected: yes. Study: VeluxRD. Not counted in ClinVar's aggregate classification.

Dr. Peter K. Rogan Lab, Western University
No classification provided (evidence only). Condition: Familial cancer of breast. Review status: no classification provided. Collection method: in vitro. Allele origin: not applicable. Functional consequence: retained intron. Not counted in ClinVar's aggregate classification.

Dr. Peter K. Rogan Lab, Western University
No classification provided (evidence only). Condition: Malignant tumor of esophagus. Review status: no classification provided. Collection method: in vitro. Allele origin: not applicable. Functional consequence: retained intron. Not counted in ClinVar's aggregate classification.

Literature cited by the submitters: PubMed 30718709 (cited by Labcorp Genetics (formerly Invitae), Labcorp and Department of Clinical Genetics, Copenhagen University Hospital, Rigshospitalet).

NM_001029883.3(PCARE):c.3669-5G>A

Gene: PCARE (photoreceptor cilium actin regulator; minus strand). Cytogenetic location: 2p23.2.
Variant type: single nucleotide variant.
Coding change: c.3669-5G>A on transcript NM_001029883.3 (MANE Select); 5 bases into the intron before coding-DNA position 3669, G replaced by A.
Molecular consequence: intron variant.
Genome position (GRCh38, 1-based): chr2:29,065,072, C>T on the plus strand (G>A on the coding strand, the complement: PCARE is on the minus strand). VCF-style: chr2-29065072-C-T. GRCh37 (hg19) VCF-style: chr2-29287938-C-T.
Identifiers: ClinVar variation 335638 (VCV000335638.14), dbSNP rs886055920, ClinGen allele CA10614958.